The following is an entry in ClinVar:

NM_017780.4(CHD7):c.5995G>A (p.Ala1999Thr)

Gene: CHD7 (chromodomain helicase DNA binding protein 7; plus strand). Cytogenetic location: 8q12.2.
Variant type: single nucleotide variant.
Coding change: c.5995G>A on transcript NM_017780.4 (MANE Select); coding-DNA position 5995, G replaced by A.
Protein change: p.Ala1999Thr; replaces alanine 1999 with threonine.
Molecular consequence: missense variant. On other transcripts: intron variant (1).
Genome position (GRCh38, 1-based): chr8:60,852,598, G>A. VCF-style: chr8-60852598-G-A. GRCh37 (hg19) VCF-style: chr8-61765157-G-A.
Other names: c.5995G>A (LRG_176t1); c.1717-9631G>A (NM_001316690.1); short protein forms A1999T.
Identifiers: ClinVar variation 420545 (VCV000420545.4), dbSNP rs1064794548, ClinGen allele CA16618674.

ClinVar aggregate classification (germline): Conflicting classifications of pathogenicity. Review status: criteria provided, conflicting classifications (1 of 4 stars). 2 submissions from 2 submitters: Uncertain significance (1); Likely benign (1). Last evaluated 2025-04-11.

Conditions:
CHARGE syndrome (CHARGE). Also called: Hittner Hirsch Kreh syndrome; CHARGE ASSOCIATION--COLOBOMA, HEART ANOMALY, CHOANAL ATRESIA, RETARDATION, GENITAL AND EAR ANOMALIES; Coloboma, heart anomaly, choanal atresia, retardation, genital and ear anomalies; CHARGE association; Hall-Hittner syndrome. Identifiers: Orphanet 138, MedGen C0265354, MONDO:0008965.

Allele frequency attached by ClinVar (database versions not stated): gnomAD exomes below 0.00001.
gnomAD v4.1: 2 of 1,613,912 alleles (0.00012%); highest among the groups gnomAD compares: Non-Finnish European, 0.00017%; no homozygotes.

Submissions (2):

Labcorp Genetics (formerly Invitae), Labcorp
Classification: Likely benign for CHARGE syndrome. Last evaluated: 2025-04-11. Review status: criteria provided, single submitter. Criteria: Invitae Variant Classification Sherloc (09022015). Collection method: clinical testing. Allele origin: germline.

GeneDx
Classification: Uncertain significance. Last evaluated: 2016-03-04. Review status: criteria provided, single submitter. Criteria: GeneDx Variant Classification (06012015). Collection method: clinical testing. Allele origin: germline. Affected: yes.
Comment: The A1999T variant in the CHD7 gene has not been reported previously as a pathogenic variant, nor as a benign variant, to our knowledge. The A1999T variant was not observed in approximately 5900 individuals of European and African American ancestry in the NHLBI Exome Sequencing Project, indicating it is not a common benign variant in these populations. The A1999T variant is a non-conservative amino acid substitution, which is likely to impact secondary protein structure as these residues differ in polarity, charge, size and/or other properties. This substitution occurs at a position that is conserved across species. In silico analysis is inconsistent in its predictions as to whether or not the variant is damaging to the protein structure/function. We interpret A1999T as a variant of uncertain significance.